The following is an entry in ClinVar:

NM_018896.5(CACNA1G):c.2173G>A (p.Val725Met)

Gene: CACNA1G (calcium voltage-gated channel subunit alpha1 G; plus strand). Cytogenetic location: 17q21.33.
Variant type: single nucleotide variant.
Coding change: c.2173G>A on transcript NM_018896.5 (MANE Select); coding-DNA position 2173, G replaced by A.
Protein change: p.Val725Met; replaces valine 725 with methionine.
Molecular consequence: missense variant. On other transcripts: non-coding transcript variant (5).
Genome position (GRCh38, 1-based): chr17:50,578,436, G>A. VCF-style: chr17-50578436-G-A. GRCh37 (hg19) VCF-style: chr17-48655797-G-A.
Other names: c.2173G>A, p.Val725Met (NM_001256324.2, NM_001256325.2, NM_001256326.2 and 24 more transcripts); short protein forms V725M.
Identifiers: ClinVar variation 3363686 (VCV003363686.2).
Genomic context (GRCh38, chr17:50,578,436, plus strand): 5'-CTCCGGGACCCCCACAGCCGGCGGCAACGGAGCCTGGGCCCAGATGCAGAGCCCAGCTCT[G>A]TGCTGGCCTTCTGGAGGCTAATCTGTGACACCTTCCGAAAGATTGTGGACAGCAAGTACT-3'
Protein context (NP_061496.2, residues 715-735): SLGPDAEPSS[Val725Met]LAFWRLICDT

ClinVar aggregate classification (germline): Uncertain significance (1 of 4 stars; one submission).

gnomAD v4.1: 4 of 1,607,044 alleles (0.00025%); highest among the groups gnomAD compares: Non-Finnish European, 0.00034%; no homozygotes.

Submission:

GeneDx
Classification: Uncertain significance. Last evaluated: 2025-08-22. Review status: criteria provided, single submitter. Criteria: GeneDx Variant Classification Process June 2021. Collection method: clinical testing. Allele origin: germline.
Comment: Not observed at significant frequency in large population cohorts (gnomAD); In silico analysis suggests that this missense variant does not alter protein structure/function; Has not been previously published as pathogenic or benign to our knowledge